The following is an entry in ClinVar:

NM_001170629.2(CHD8):c.7201G>A (p.Val2401Met)

Gene: CHD8 (chromodomain helicase DNA binding protein 8; minus strand). Cytogenetic location: 14q11.2.
Variant type: single nucleotide variant.
Coding change: c.7201G>A on transcript NM_001170629.2 (MANE Select); coding-DNA position 7201, G replaced by A.
Protein change: p.Val2401Met; replaces valine 2401 with methionine.
Molecular consequence: missense variant.
Genome position (GRCh38, 1-based): chr14:21,386,158, C>T on the plus strand (G>A on the coding strand, the complement: CHD8 is on the minus strand). VCF-style: chr14-21386158-C-T. GRCh37 (hg19) VCF-style: chr14-21854317-C-T.
Other names: c.6364G>A, p.Val2122Met (NM_020920.4); short protein forms V2401M, V2122M.
Identifiers: ClinVar variation 3646707 (VCV003646707.2).

ClinVar aggregate classification (germline): Uncertain significance (1 of 4 stars; one submission).

Submission:

Labcorp Genetics (formerly Invitae), Labcorp
Classification: Uncertain significance. Last evaluated: 2024-03-19. Review status: criteria provided, single submitter. Criteria: Invitae Variant Classification Sherloc (09022015). Collection method: clinical testing. Allele origin: germline.
Comment: This sequence change replaces valine, which is neutral and non-polar, with methionine, which is neutral and non-polar, at codon 2401 of the CHD8 protein (p.Val2401Met). This variant is not present in population databases (gnomAD no frequency). This variant has not been reported in the literature in individuals affected with CHD8-related conditions. Algorithms developed to predict the effect of missense changes on protein structure and function output the following: SIFT: "Not Available"; PolyPhen-2: "Benign"; Align-GVGD: "Not Available". The methionine amino acid residue is found in multiple mammalian species, which suggests that this missense change does not adversely affect protein function. In summary, the available evidence is currently insufficient to determine the role of this variant in disease. Therefore, it has been classified as a Variant of Uncertain Significance.